The following is an entry in ClinVar:

ClinVar aggregate classification (germline): Uncertain significance (1 of 4 stars; one submission).

gnomAD v4.1: 1 of 1,478,508 alleles (0.000068%); no homozygotes.

Submission:

Labcorp Genetics (formerly Invitae), Labcorp
Classification: Uncertain significance. Last evaluated: 2023-07-14. Review status: criteria provided, single submitter. Criteria: Invitae Variant Classification Sherloc (09022015). Collection method: clinical testing. Allele origin: germline.
Comment: This variant has not been reported in the literature in individuals affected with REEP6-related conditions. In summary, the available evidence is currently insufficient to determine the role of this variant in disease. Therefore, it has been classified as a Variant of Uncertain Significance. Experimental studies and prediction algorithms are not available or were not evaluated, and the functional significance of this variant is currently unknown. ClinVar contains an entry for this variant (Variation ID: 964903). This variant is not present in population databases (gnomAD no frequency). This sequence change replaces alanine, which is neutral and non-polar, with threonine, which is neutral and polar, at codon 27 of the REEP6 protein (p.Ala27Thr).

NM_138393.4(REEP6):c.79G>A (p.Ala27Thr)

Genes: REEP6 (receptor accessory protein 6; plus strand), LOC130062963 (ATAC-STARR-seq lymphoblastoid silent region 9724; plus strand). Cytogenetic location: 19p13.3.
Variant type: single nucleotide variant.
Coding change: c.79G>A on transcript NM_138393.4 (MANE Select); coding-DNA position 79, G replaced by A.
Protein change: p.Ala27Thr; replaces alanine 27 with threonine.
Molecular consequence: missense variant.
Genome position (GRCh38, 1-based): chr19:1,491,348, G>A. VCF-style: chr19-1491348-G-A. GRCh37 (hg19) VCF-style: chr19-1491347-G-A.
Other names: c.79G>A, p.Ala27Thr (NM_001329556.3); short protein forms A27T.
Identifiers: ClinVar variation 964903 (VCV000964903.8), dbSNP rs1173034302, ClinGen allele CA403055868.
Genomic context (GRCh38, chr19:1,491,348, plus strand): 5'-CGCGTGGAGCACTTCCTGGAGCAAAGGAACCTGGTCACCGAAGTGCTGGGGGCGCTGGAG[G>A]CCAAGACCGGGGTGGAGAAGCGGTATCTGGCTGCAGGTGAGCCGTCGGCGCTAGCCCGTT-3'
Protein context (NP_612402.1, residues 17-37): LVTEVLGALE[Ala27Thr]KTGVEKRYLA